The following is an entry in ClinVar:

NM_021956.5(GRIK2):c.2310G>T (p.Met770Ile)

Gene: GRIK2 (glutamate ionotropic receptor kainate type subunit 2; plus strand). Cytogenetic location: 6q16.3.
Variant type: single nucleotide variant.
Coding change: c.2310G>T on transcript NM_021956.5 (MANE Select); coding-DNA position 2310, G replaced by T.
Protein change: p.Met770Ile; replaces methionine 770 with isoleucine.
Molecular consequence: missense variant.
Genome position (GRCh38, 1-based): chr6:102,035,565, G>T. VCF-style: chr6-102035565-G-T. GRCh37 (hg19) VCF-style: chr6-102483440-G-T.
Other names: c.2310G>T, p.Met770Ile (NM_001166247.1, NM_175768.3); short protein forms M770I.
Identifiers: ClinVar variation 1028232 (VCV001028232.1), dbSNP rs745663188, ClinGen allele CA3939789.

ClinVar aggregate classification (germline): Uncertain significance (1 of 4 stars; one submission).

Conditions:
Intellectual developmental disorder, autosomal recessive 6. Also called: Intellectual disability, autosomal recessive 6. Identifiers: Orphanet 88616, MedGen C1970198, MONDO:0012614, OMIM 611092.

Allele frequency attached by ClinVar (database versions not stated): gnomAD 0.00002; TOPMed 0.00005; ExAC 0.00015; gnomAD exomes 0.00003 and 0.00014.
gnomAD v4.1: 40 of 1,547,324 alleles (0.0026%); highest among the groups gnomAD compares: Admixed American, 0.066%; no homozygotes.

Submission:

Baylor Genetics
Classification: Uncertain significance for Intellectual developmental disorder, autosomal recessive 6. Last evaluated: 2019-03-28. Review status: criteria provided, single submitter. Criteria: ACMG Guidelines, 2015. Collection method: clinical testing. Allele origin: unknown. Affected: yes.
Comment: This variant was determined to be of uncertain significance according to ACMG Guidelines, 2015 [PMID:25741868].